The following is an entry in ClinVar:

ClinVar aggregate classification (germline): Likely benign. Review status: criteria provided, single submitter (1 of 4 stars). 2 submissions from 2 submitters: Likely benign (1). 1 of the submissions does not count toward it. Last evaluated 2018-01-12.

Conditions:
Coxopodopatellar syndrome. Also called: ISCHIOPATELLAR DYSPLASIA; SCOTT-TAOR SYNDROME; Small patella syndrome; ISCHIOCOXOPODOPATELLAR SYNDROME; PATELLA APLASIA, COXA VARA, AND TARSAL SYNOSTOSIS; Congenital coxa vara, patella aplasia and tarsal synostosis. Identifiers: Orphanet 1509, MedGen C1840061, MONDO:0007841, OMIM 147891.
Pulmonary hypertension, primary, 1 (PPH1). Also called: Pulmonary hypertension, familial primary, 1, with or without HHT. Identifiers: Orphanet 422, MedGen C4552070, MONDO:0024533, OMIM 178600.

Allele frequency attached by ClinVar (database versions not stated): gnomAD exomes 0.00001 and 0.00002; gnomAD 0.00002; TOPMed 0.00002; ExAC 0.00003; ESP Exome Variant Server 0.00008.
gnomAD v4.1: 14 of 1,613,798 alleles (0.00087%); no homozygotes.

Submissions (2):

Illumina Laboratory Services, Illumina
Classification: Likely benign for Coxopodopatellar syndrome. Last evaluated: 2018-01-12. Review status: criteria provided, single submitter. Criteria: ICSL Variant Classification Criteria 13 December 2019. Collection method: clinical testing. Allele origin: germline.
Comment: This variant was observed in the ICSL laboratory as part of a predisposition screen in an ostensibly healthy population. It had not been previously curated by ICSL or reported in the Human Gene Mutation Database (HGMD: prior to June 1st, 2018), and was therefore a candidate for classification through an automated scoring system. Utilizing variant allele frequency, disease prevalence and penetrance estimates, and inheritance mode, an automated score was calculated to assess if this variant is too frequent to cause the disease. Based on the score and internal cut-off values, a variant classified as likely benign is not then subjected to further curation. The score for this variant resulted in a classification of likely benign for this disease.

Wendy Chung Laboratory, Boston Children's Hospital
No classification provided. Condition: Pulmonary hypertension, primary, 1. Review status: no classification provided. Collection method: literature only. Allele origin: unknown. Affected: yes. Not counted in ClinVar's aggregate classification.

Literature cited by the submitters: PubMed 29650961 (cited by Wendy Chung Laboratory, Boston Children's Hospital).

NM_001321120.2(TBX4):c.1073C>T (p.Ala358Val)

Gene: TBX4 (T-box transcription factor 4; plus strand). Cytogenetic location: 17q23.2.
Variant type: single nucleotide variant.
Coding change: c.1073C>T on transcript NM_001321120.2 (MANE Select); coding-DNA position 1073, C replaced by T.
Protein change: p.Ala358Val; replaces alanine 358 with valine.
Molecular consequence: missense variant.
Genome position (GRCh38, 1-based): chr17:61,482,948, C>T. VCF-style: chr17-61482948-C-T. GRCh37 (hg19) VCF-style: chr17-59560309-C-T.
Other names: c.1073C>T, p.Ala358Val (LRG_1206t1); c.1070C>T, p.Ala357Val (NM_018488.3); short protein forms A357V, A358V.
Identifiers: ClinVar variation 324258 (VCV000324258.7), dbSNP rs147641113, ClinGen allele CA8690015.